The following is an entry in ClinVar:

ClinVar aggregate classification (germline): Uncertain significance (1 of 4 stars; one submission).

Submission:

Dasa
Classification: Uncertain significance. Last evaluated: 2026-07-13. Review status: criteria provided, single submitter. Criteria: DASA Assertion Criteria. Collection method: clinical testing. Allele origin: germline.
Comment: NM_152701.5(ABCA13):c.11261G>A (p.Trp3754*) is a nonsense variant in ABCA13 predicted to introduce a premature termination codon. This variant is rare in population databases. The currently available literature and clinical evidence are not sufficient to establish a definitive association between this variant and the reported condition. Therefore, this variant is classified as a variant of uncertain significance.

NM_152701.5(ABCA13):c.11261G>A (p.Trp3754Ter)

Gene: ABCA13 (ATP binding cassette subfamily A member 13; plus strand). Cytogenetic location: 7p12.3.
Variant type: single nucleotide variant.
Coding change: c.11261G>A on transcript NM_152701.5 (MANE Select); coding-DNA position 11261, G replaced by A.
Protein change: p.Trp3754Ter; replaces tryptophan 3754 with a stop codon.
Molecular consequence: nonsense.
Genome position (GRCh38, 1-based): chr7:48,376,498, G>A. VCF-style: chr7-48376498-G-A. GRCh37 (hg19) VCF-style: chr7-48416095-G-A.
Other names: short protein forms W3754*.
Identifiers: ClinVar variation 5020201 (VCV005020201.1).